The following is an entry in ClinVar:

ClinVar aggregate classification (germline): Uncertain significance (1 of 4 stars; one submission).

Submission:

Labcorp Genetics (formerly Invitae), Labcorp
Classification: Uncertain significance. Last evaluated: 2022-08-31. Review status: criteria provided, single submitter. Criteria: Invitae Variant Classification Sherloc (09022015). Collection method: clinical testing. Allele origin: germline.
Comment: This variant has not been reported in the literature in individuals affected with ZNF469-related conditions. This variant is not present in population databases (gnomAD no frequency). This sequence change replaces asparagine, which is neutral and polar, with aspartic acid, which is acidic and polar, at codon 2065 of the ZNF469 protein (p.Asn2065Asp). In summary, the available evidence is currently insufficient to determine the role of this variant in disease. Therefore, it has been classified as a Variant of Uncertain Significance. Algorithms developed to predict the effect of missense changes on protein structure and function output the following: SIFT: "Tolerated"; PolyPhen-2: "Benign"; Align-GVGD: "Class C0". The aspartic acid amino acid residue is found in multiple mammalian species, which suggests that this missense change does not adversely affect protein function. ClinVar contains an entry for this variant (Variation ID: 1393474).

NM_001367624.2(ZNF469):c.6277A>G (p.Asn2093Asp)

Gene: ZNF469 (zinc finger protein 469; plus strand). Cytogenetic location: 16q24.2.
Variant type: single nucleotide variant.
Coding change: c.6277A>G on transcript NM_001367624.2 (MANE Select); coding-DNA position 6277, A replaced by G.
Protein change: p.Asn2093Asp; replaces asparagine 2093 with aspartic acid.
Molecular consequence: missense variant.
Genome position (GRCh38, 1-based): chr16:88,433,747, A>G. VCF-style: chr16-88433747-A-G. GRCh37 (hg19) VCF-style: chr16-88500155-A-G.
Other names: short protein forms N2093D.
Identifiers: ClinVar variation 1393474 (VCV001393474.6), dbSNP rs2142309121, ClinGen allele CA397105138.